The following is an entry in ClinVar:

NM_000388.4(CASR):c.2410G>C (p.Ala804Pro)

Gene: CASR (calcium sensing receptor; plus strand). Cytogenetic location: 3q21.1.
Variant type: single nucleotide variant.
Coding change: c.2410G>C on transcript NM_000388.4 (MANE Select); coding-DNA position 2410, G replaced by C.
Protein change: p.Ala804Pro; replaces alanine 804 with proline.
Molecular consequence: missense variant.
Genome position (GRCh38, 1-based): chr3:122,284,364, G>C. VCF-style: chr3-122284364-G-C. GRCh37 (hg19) VCF-style: chr3-122003211-G-C.
Other names: c.2440G>C, p.Ala814Pro (NM_001178065.2); short protein forms A804P, A814P.
Identifiers: ClinVar variation 4785189 (VCV004785189.1).
Genomic context (GRCh38, chr3:122,284,364, plus strand): 5'-GCTGCCATCTGCTTCTTCTTTGCCTTCAAGTCCCGGAAGCTGCCGGAGAACTTCAATGAA[G>C]CCAAGTTCATCACCTTCAGCATGCTCATCTTCTTCATCGTCTGGATCTCCTTCATTCCAG-3'
Protein context (NP_000379.3, residues 794-814): SRKLPENFNE[Ala804Pro]KFITFSMLIF

ClinVar aggregate classification (germline): Uncertain significance (1 of 4 stars; one submission).

Conditions:
Autosomal dominant hypocalcemia 1 (HYPOC1). Also called: HYPOCALCEMIA, FAMILIAL. Identifiers: MedGen C3715128, MONDO:0011013, OMIM 601198.
Familial hypocalciuric hypercalcemia (FHH). Also called: Familial benign hypercalcemia. Identifiers: Orphanet 405, MedGen C1809471, MONDO:0018458.

Submission:

Labcorp Genetics (formerly Invitae), Labcorp
Classification: Uncertain significance for Familial hypocalciuric hypercalcemia; Autosomal dominant hypocalcemia 1. Last evaluated: 2025-06-06. Review status: criteria provided, single submitter. Criteria: Invitae Variant Classification Sherloc (09022015). Collection method: clinical testing. Allele origin: germline.
Comment: This sequence change replaces alanine, which is neutral and non-polar, with proline, which is neutral and non-polar, at codon 804 of the CASR protein (p.Ala804Pro). This variant is not present in population databases (gnomAD no frequency). This variant has not been reported in the literature in individuals affected with CASR-related conditions. An algorithm developed to predict the effect of missense changes on protein structure and function (PolyPhen-2) suggests that this variant is likely to be disruptive. In summary, the available evidence is currently insufficient to determine the role of this variant in disease. Therefore, it has been classified as a Variant of Uncertain Significance.